The following is an entry in ClinVar:

ClinVar aggregate classification (germline): Uncertain significance (1 of 4 stars; one submission).

Conditions:
PSMD12-related disorder. Also called: PSMD12-related condition.

Allele frequency attached by ClinVar (database versions not stated): TOPMed below 0.00001; gnomAD 0.00001.
gnomAD v4.1: 11 of 1,586,526 alleles (0.00069%); highest among the groups gnomAD compares: African/African-American, 0.0027%; no homozygotes.

Submission:

PreventionGenetics, part of Exact Sciences
Classification: Uncertain significance for PSMD12-related condition. Last evaluated: 2023-01-10. Review status: criteria provided, single submitter. Criteria: ACMG Guidelines, 2015. Collection method: clinical testing. Allele origin: germline.
Comment: The PSMD12 c.1114C>T variant is predicted to result in the amino acid substitution p.Arg372Trp. To our knowledge, this variant has not been reported in the literature or in a large population database, indicating this variant is rare. At this time, the clinical significance of this variant is uncertain due to the absence of conclusive functional and genetic evidence.

NM_002816.5(PSMD12):c.1114C>T (p.Arg372Trp)

Gene: PSMD12 (proteasome 26S subunit, non-ATPase 12; minus strand). Cytogenetic location: 17q24.2.
Variant type: single nucleotide variant.
Coding change: c.1114C>T on transcript NM_002816.5 (MANE Select); coding-DNA position 1114, C replaced by T.
Protein change: p.Arg372Trp; replaces arginine 372 with tryptophan.
Molecular consequence: missense variant.
Genome position (GRCh38, 1-based): chr17:67,342,233, G>A on the plus strand (C>T on the coding strand, the complement: PSMD12 is on the minus strand). VCF-style: chr17-67342233-G-A. GRCh37 (hg19) VCF-style: chr17-65338349-G-A.
Other names: c.937C>T, p.Arg313Trp (NM_001316341.2); c.1054C>T, p.Arg352Trp (NM_174871.4); short protein forms R313W, R352W, R372W.
Identifiers: ClinVar variation 2629832 (VCV002629832.1), dbSNP rs1320615806, ClinGen allele CA400803680.